The following is an entry in ClinVar:

NM_001376.5(DYNC1H1):c.3965C>T (p.Ala1322Val)

Gene: DYNC1H1 (dynein cytoplasmic 1 heavy chain 1; plus strand). Cytogenetic location: 14q32.31.
Variant type: single nucleotide variant.
Coding change: c.3965C>T on transcript NM_001376.5 (MANE Select); coding-DNA position 3965, C replaced by T.
Protein change: p.Ala1322Val; replaces alanine 1322 with valine.
Molecular consequence: missense variant.
Genome position (GRCh38, 1-based): chr14:102,000,290, C>T. VCF-style: chr14-102000290-C-T. GRCh37 (hg19) VCF-style: chr14-102466627-C-T.
Other names: short protein forms A1322V.
Identifiers: ClinVar variation 1436486 (VCV001436486.8), dbSNP rs2141285225, ClinGen allele CA391038961.

ClinVar aggregate classification (germline): Uncertain significance (1 of 4 stars; one submission).

Conditions:
Charcot-Marie-Tooth disease axonal type 2O. Also called: CHARCOT-MARIE-TOOTH NEUROPATHY, AXONAL, TYPE 2O; CHARCOT-MARIE-TOOTH DISEASE, AXONAL, AUTOSOMAL DOMINANT, TYPE 2O; Charcot-Marie-Tooth disease, axonal, type 20; Charcot-Marie-Tooth Neuropathy Type 2O. Identifiers: Orphanet 284232, MedGen C3280220, MONDO:0013644, OMIM 614228.

Submission:

Labcorp Genetics (formerly Invitae), Labcorp
Classification: Uncertain significance for Charcot-Marie-Tooth disease axonal type 2O. Last evaluated: 2022-06-17. Review status: criteria provided, single submitter. Criteria: Invitae Variant Classification Sherloc (09022015). Collection method: clinical testing. Allele origin: germline.
Comment: In summary, the available evidence is currently insufficient to determine the role of this variant in disease. Therefore, it has been classified as a Variant of Uncertain Significance. Advanced modeling of protein sequence and biophysical properties (such as structural, functional, and spatial information, amino acid conservation, physicochemical variation, residue mobility, and thermodynamic stability) performed at Invitae indicates that this missense variant is not expected to disrupt DYNC1H1 protein function. This variant has not been reported in the literature in individuals affected with DYNC1H1-related conditions. This variant is not present in population databases (gnomAD no frequency). This sequence change replaces alanine, which is neutral and non-polar, with valine, which is neutral and non-polar, at codon 1322 of the DYNC1H1 protein (p.Ala1322Val).